The following is an entry in ClinVar:

ClinVar aggregate classification (germline): Conflicting classifications of pathogenicity. Review status: criteria provided, conflicting classifications (1 of 4 stars). 3 submissions from 3 submitters: Uncertain significance (1); Likely benign (1). 1 of the submissions does not count toward it. Last evaluated 2026-02-01.

Conditions:
RPL18-related disorder. Also called: RPL18-related condition.

Allele frequency attached by ClinVar (database versions not stated): ExAC 0.00037; gnomAD 0.00050; TOPMed 0.00051; ESP Exome Variant Server 0.00069; gnomAD exomes 0.00097.
gnomAD v4.1: 1,479 of 1,613,962 alleles (0.092%); highest among the groups gnomAD compares: Non-Finnish European, 0.12%; 2 homozygotes.

Submissions (3):

Labcorp Genetics (formerly Invitae), Labcorp
Classification: Uncertain significance. Last evaluated: 2026-02-01. Review status: criteria provided, single submitter. Criteria: Invitae Variant Classification Sherloc (09022015). Collection method: clinical testing. Allele origin: germline.
Comment: This sequence change replaces alanine, which is neutral and non-polar, with valine, which is neutral and non-polar, at codon 80 of the RPL18 protein (p.Ala80Val). This variant is present in population databases (rs11554936, gnomAD 0.08%), and has an allele count higher than expected for a pathogenic variant. This variant has not been reported in the literature in individuals affected with RPL18-related conditions. ClinVar contains an entry for this variant (Variation ID: 2052563). An algorithm developed to predict the effect of missense changes on protein structure and function (PolyPhen-2) suggests that this variant is likely to be disruptive. In summary, the available evidence is currently insufficient to determine the role of this variant in disease. Therefore, it has been classified as a Variant of Uncertain Significance.

Blueprint Genetics
Classification: Likely benign. Last evaluated: 2024-11-26. Review status: criteria provided, single submitter. Criteria: ACMG Guidelines, 2015. Collection method: clinical testing. Allele origin: germline.

PreventionGenetics, part of Exact Sciences
Classification: Likely benign for RPL18-related condition. Last evaluated: 2024-06-14. Review status: no assertion criteria provided. Collection method: clinical testing. Allele origin: germline. Not counted in ClinVar's aggregate classification.
Comment: This variant is classified as likely benign based on ACMG/AMP sequence variant interpretation guidelines (Richards et al. 2015 PMID: 25741868, with internal and published modifications).

NM_000979.4(RPL18):c.239C>T (p.Ala80Val)

Gene: RPL18 (ribosomal protein L18; minus strand). Cytogenetic location: 19q13.33.
Variant type: single nucleotide variant.
Coding change: c.239C>T on transcript NM_000979.4 (MANE Select); coding-DNA position 239, C replaced by T.
Protein change: p.Ala80Val; replaces alanine 80 with valine.
Molecular consequence: missense variant. On other transcripts: non-coding transcript variant (1).
Genome position (GRCh38, 1-based): chr19:48,616,784, G>A on the plus strand (C>T on the coding strand, the complement: RPL18 is on the minus strand). VCF-style: chr19-48616784-G-A. GRCh37 (hg19) VCF-style: chr19-49120041-G-A.
Other names: c.152C>T, p.Ala51Val (NM_001270490.2); c.239C>T (NM_000979.3); short protein forms A51V, A80V.
Identifiers: ClinVar variation 2052563 (VCV002052563.6), dbSNP rs11554936, ClinGen allele CA9554131.